The following is an entry in ClinVar:

NM_001199107.2(TBC1D24):c.890G>T (p.Arg297Leu)

Gene: TBC1D24 (TBC1 domain family member 24; plus strand). Cytogenetic location: 16p13.3.
Variant type: single nucleotide variant.
Coding change: c.890G>T on transcript NM_001199107.2 (MANE Select); coding-DNA position 890, G replaced by T.
Protein change: p.Arg297Leu; replaces arginine 297 with leucine.
Molecular consequence: missense variant.
Genome position (GRCh38, 1-based): chr16:2,497,038, G>T. VCF-style: chr16-2497038-G-T. GRCh37 (hg19) VCF-style: chr16-2547039-G-T.
Other names: c.890G>T, p.Arg297Leu (NM_020705.3); short protein forms R297L.
Identifiers: ClinVar variation 2929259 (VCV002929259.3), dbSNP rs760666914, ClinGen allele CA319048.

ClinVar aggregate classification (germline): Uncertain significance (1 of 4 stars; one submission).

Conditions:
Autosomal dominant nonsyndromic hearing loss 65. Also called: Deafness, autosomal dominant 65; TBC1D24-Related Autosomal Dominant Nonsyndromic Hearing Loss (DFNA). Identifiers: Orphanet 90635, MedGen C3892048, MONDO:0014470, OMIM 616044.
Developmental and epileptic encephalopathy, 1 (DEE1). Also called: INFANTILE SPASM SYNDROME, X-LINKED 1; X-linked infantile spasms; West's syndrome; Tonic spasms with clustering, arrest of psychomotor development and hypsarrhythmia on EEG; X-Linked Infantile Spasm Syndrome; OHTAHARA SYNDROME, X-LINKED. Identifiers: MedGen C3463992, MONDO:0010632, OMIM 308350. Disease mechanism: loss of function.

Allele frequency attached by ClinVar (database versions not stated): ExAC 0.00001.

Submission:

Labcorp Genetics (formerly Invitae), Labcorp
Classification: Uncertain significance for Developmental and epileptic encephalopathy, 1; Autosomal dominant nonsyndromic hearing loss 65. Last evaluated: 2024-05-31. Review status: criteria provided, single submitter. Criteria: Invitae Variant Classification Sherloc (09022015). Collection method: clinical testing. Allele origin: germline.
Comment: This sequence change replaces arginine, which is basic and polar, with leucine, which is neutral and non-polar, at codon 297 of the TBC1D24 protein (p.Arg297Leu). The frequency data for this variant in the population databases is considered unreliable, as metrics indicate poor data quality at this position in the gnomAD database. This variant has not been reported in the literature in individuals affected with TBC1D24-related conditions. Advanced modeling of protein sequence and biophysical properties (such as structural, functional, and spatial information, amino acid conservation, physicochemical variation, residue mobility, and thermodynamic stability) performed at Invitae indicates that this missense variant is expected to disrupt TBC1D24 protein function with a positive predictive value of 80%. In summary, the available evidence is currently insufficient to determine the role of this variant in disease. Therefore, it has been classified as a Variant of Uncertain Significance.